The following is an entry in ClinVar:

NM_001103.4(ACTN2):c.2051A>T (p.Asn684Ile)

Gene: ACTN2 (actinin alpha 2; plus strand). Cytogenetic location: 1q43.
Variant type: single nucleotide variant.
Coding change: c.2051A>T on transcript NM_001103.4 (MANE Select); coding-DNA position 2051, A replaced by T.
Protein change: p.Asn684Ile; replaces asparagine 684 with isoleucine.
Molecular consequence: missense variant.
Genome position (GRCh38, 1-based): chr1:236,755,095, A>T. VCF-style: chr1-236755095-A-T. GRCh37 (hg19) VCF-style: chr1-236918395-A-T.
Other names: c.2051A>T, p.Asn684Ile (NM_001278343.2); c.1427A>T, p.Asn476Ile (NM_001278344.2); short protein forms N684I, N476I.
Identifiers: ClinVar variation 463199 (VCV000463199.16), dbSNP rs576783493, ClinGen allele CA345387555.

ClinVar aggregate classification (germline): Conflicting classifications of pathogenicity. Review status: criteria provided, conflicting classifications (1 of 4 stars). 5 submissions from 5 submitters: Uncertain significance (4); Likely benign (1). Last evaluated 2026-05-18.

Conditions:
ACTN2-related disorder. Also called: ACTN2 related condition; ACTN2-related disorders.
Cardiovascular phenotype. Identifiers: MedGen CN230736.
Primary familial hypertrophic cardiomyopathy (HCM). Identifiers: Orphanet 99739, MedGen C0949658, MeSH D024741, MONDO:0024573. Inheritance: Various modes of inheritance.
Dilated cardiomyopathy 1AA (CMD1AA). Also called: CARDIOMYOPATHY, DILATED, 1AA, WITH OR WITHOUT LEFT VENTRICULAR NONCOMPACTION; CARDIOMYOPATHY, FAMILIAL HYPERTROPHIC, 23, WITH OR WITHOUT LEFT VENTRICULAR NONCOMPACTION; Cardiomyopathy, dilated, 1AA, with or without LVNC. Identifiers: Orphanet 154, MedGen C2677338, MONDO:0012808, OMIM 612158.
Cardiomyopathy (CMYO). Also called: Cardiomyopathies. Identifiers: Orphanet 167848, MedGen C0878544, MONDO:0004994, HP:0001638. Inheritance: Various modes of inheritance.

Allele frequency attached by ClinVar (database versions not stated): TOPMed below 0.00001.
gnomAD v4.1: 2 of 1,614,226 alleles (0.00012%); highest among the groups gnomAD compares: Non-Finnish European, 0.00017%; no homozygotes.

Submissions (5):

PreventionGenetics, part of Exact Sciences
Classification: Uncertain significance for ACTN2-related condition. Last evaluated: 2026-05-18. Review status: criteria provided, single submitter. Criteria: ACMG Guidelines, 2015. Collection method: clinical testing. Allele origin: germline.
Comment: The ACTN2 c.2051A>T variant is predicted to result in the amino acid substitution p.Asn684Ile. This variant has been reported in an individual with hypertrophic cardiomyopathy who also carried additional variants in other cardiac‑related genes (Supplemental information, van Lint et al. 2019. PubMed ID: 30847666). This variant is reported in 0.0054% of alleles in individuals of East Asian descent in gnomAD. At this time, the clinical significance of this variant is uncertain due to the absence of conclusive functional and genetic evidence.

Labcorp Genetics (formerly Invitae), Labcorp
Classification: Likely benign for Primary familial hypertrophic cardiomyopathy; Dilated cardiomyopathy 1AA. Last evaluated: 2025-05-22. Review status: criteria provided, single submitter. Criteria: Invitae Variant Classification Sherloc (09022015). Collection method: clinical testing. Allele origin: germline.

Ambry Genetics
Classification: Uncertain significance for Cardiovascular phenotype. Last evaluated: 2023-01-11. Review status: criteria provided, single submitter. Criteria: Ambry Variant Classification Scheme 2023. Collection method: clinical testing. Allele origin: germline.
Comment: The p.N684I variant (also known as c.2051A>T), located in coding exon 17 of the ACTN2 gene, results from an A to T substitution at nucleotide position 2051. The asparagine at codon 684 is replaced by isoleucine, an amino acid with dissimilar properties. This variant was detected in a cardiomyopathy genetic testing cohort; however, clinical details were limited, and additional cardiac variants were detected in some cases (van Lint FHM et al. Neth Heart J, 2019 Jun;27:304-309). This amino acid position is not well conserved in available vertebrate species. In addition, this alteration is predicted to be tolerated by in silico analysis. Since supporting evidence is limited at this time, the clinical significance of this alteration remains unclear.

GeneDx
Classification: Uncertain significance. Last evaluated: 2021-09-08. Review status: criteria provided, single submitter. Criteria: GeneDx Variant Classification Process June 2021. Collection method: clinical testing. Allele origin: germline. Affected: yes.
Comment: Has not been previously published as pathogenic or benign to our knowledge; Not observed at significant frequency in large population cohorts (Lek et al., 2016); In silico analysis supports that this missense variant has a deleterious effect on protein structure/function; Reported in ClinVar as a variant of uncertain significance (ClinVar Variant ID# 463199; Landrum et al., 2016)

CHEO Genetics Diagnostic Laboratory, Children's Hospital of Eastern Ontario
Classification: Uncertain significance for Cardiomyopathy. Last evaluated: 2018-03-14. Review status: criteria provided, single submitter. Criteria: ACMG Guidelines, 2015. Collection method: clinical testing. Allele origin: germline.

Literature cited by the submitters: PubMed 30847666 (cited by Ambry Genetics).